The following is an entry in ClinVar:

NM_000257.4(MYH7):c.5440A>G (p.Lys1814Glu)

Gene: MYH7 (myosin heavy chain 7; minus strand). Cytogenetic location: 14q11.2.
Variant type: single nucleotide variant.
Coding change: c.5440A>G on transcript NM_000257.4 (MANE Select); coding-DNA position 5440, A replaced by G.
Protein change: p.Lys1814Glu; replaces lysine 1814 with glutamic acid.
Molecular consequence: missense variant.
Genome position (GRCh38, 1-based): chr14:23,415,114, T>C on the plus strand (A>G on the coding strand, the complement: MYH7 is on the minus strand). VCF-style: chr14-23415114-T-C. GRCh37 (hg19) VCF-style: chr14-23884323-T-C.
Other names: c.5440A>G, p.Lys1814Glu (NM_001407004.1); short protein forms K1814E.
Identifiers: ClinVar variation 1747551 (VCV001747551.6), dbSNP rs1237492738, ClinGen allele CA389035383.

ClinVar aggregate classification (germline): Uncertain significance. Review status: criteria provided, multiple submitters, no conflicts (2 of 4 stars). 2 submissions from 2 submitters: Uncertain significance (2). Last evaluated 2025-10-23.

Conditions:
Cardiovascular phenotype. Identifiers: MedGen CN230736.
Hypertrophic cardiomyopathy. Also called: HYPERTROPHIC MYOCARDIOPATHY. Identifiers: Orphanet 217569, MedGen C0007194, MeSH D002312, MONDO:0005045, HP:0001639.

Allele frequency attached by ClinVar (database versions not stated): gnomAD 0.00001; TOPMed 0.00001.
gnomAD v4.1: 6 of 1,614,048 alleles (0.00037%); highest among the groups gnomAD compares: Non-Finnish European, 0.00051%; no homozygotes.

Submissions (2):

Labcorp Genetics (formerly Invitae), Labcorp
Classification: Uncertain significance for Hypertrophic cardiomyopathy. Last evaluated: 2025-10-23. Review status: criteria provided, single submitter. Criteria: Invitae Variant Classification Sherloc (09022015). Collection method: clinical testing. Allele origin: germline.
Comment: This sequence change replaces lysine, which is basic and polar, with glutamic acid, which is acidic and polar, at codon 1814 of the MYH7 protein (p.Lys1814Glu). This variant is not present in population databases (gnomAD no frequency). This variant has not been reported in the literature in individuals affected with MYH7-related conditions. ClinVar contains an entry for this variant (Variation ID: 1747551). Invitae Evidence Modeling of protein sequence and biophysical properties (such as structural, functional, and spatial information, amino acid conservation, physicochemical variation, residue mobility, and thermodynamic stability) indicates that this missense variant is expected to disrupt MYH7 protein function with a positive predictive value of 95%. In summary, the available evidence is currently insufficient to determine the role of this variant in disease. Therefore, it has been classified as a Variant of Uncertain Significance.

Ambry Genetics
Classification: Uncertain significance for Cardiovascular phenotype. Last evaluated: 2021-07-12. Review status: criteria provided, single submitter. Criteria: Ambry Variant Classification Scheme 2023. Collection method: clinical testing. Allele origin: germline.
Comment: The p.K1814E variant (also known as c.5440A>G), located in coding exon 35 of the MYH7 gene, results from an A to G substitution at nucleotide position 5440. The lysine at codon 1814 is replaced by glutamic acid, an amino acid with similar properties. This amino acid position is conserved. In addition, this alteration is predicted to be deleterious by in silico analysis. Since supporting evidence is limited at this time, the clinical significance of this alteration remains unclear.